The following is an entry in ClinVar:

NM_206933.4(USH2A):c.7300+29A>G

Gene: USH2A (usherin; minus strand). Cytogenetic location: 1q41.
Variant type: single nucleotide variant.
Coding change: c.7300+29A>G on transcript NM_206933.4 (MANE Select); 29 bases into the intron after coding-DNA position 7300, A replaced by G.
Molecular consequence: intron variant.
Genome position (GRCh38, 1-based): chr1:215,934,587, T>C on the plus strand (A>G on the coding strand, the complement: USH2A is on the minus strand). VCF-style: chr1-215934587-T-C. GRCh37 (hg19) VCF-style: chr1-216107929-T-C.
Identifiers: ClinVar variation 676415 (VCV000676415.5), dbSNP rs41277208, ClinGen allele CA1394892.

ClinVar aggregate classification (germline): Benign/Likely benign. Review status: criteria provided, multiple submitters, no conflicts (2 of 4 stars). 3 submissions from 3 submitters: Benign (1); Likely benign (2). Last evaluated 2021-07-01.

Conditions:
Usher syndrome type 2A. Also called: USHER SYNDROME, TYPE IIA; RETINAL DISEASE IN USHER SYNDROME TYPE IIA, MODIFIER OF. Identifiers: Orphanet 231178, Orphanet 886, MedGen C1848634, MONDO:0010169, OMIM 276901.

Allele frequency attached by ClinVar (database versions not stated): 1000 Genomes Project 0.00799; 1000 Genomes Project 30x 0.00843; TOPMed 0.02045; gnomAD 0.02206 and 0.02225; ExAC 0.02302; gnomAD exomes 0.02326 and 0.02974; ESP Exome Variant Server 0.02562.
gnomAD v4.1: 46,461 of 1,605,678 alleles (2.9%); highest among the groups gnomAD compares: Non-Finnish European, 3.4%; 872 homozygotes.

Submissions (3):

Genome-Nilou Lab
Classification: Benign for Usher syndrome type 2A. Last evaluated: 2021-07-01. Review status: criteria provided, single submitter. Criteria: ACMG Guidelines, 2015. Collection method: clinical testing. Allele origin: germline. Affected: no.

GeneDx
Classification: Likely benign. Last evaluated: 2018-06-16. Review status: criteria provided, single submitter. Criteria: GeneDx Variant Classification (06012015). Collection method: clinical testing. Allele origin: germline. Affected: yes.
Comment: This variant is considered likely benign or benign based on one or more of the following criteria: it is a conservative change, it occurs at a poorly conserved position in the protein, it is predicted to be benign by multiple in silico algorithms, and/or has population frequency not consistent with disease.

Breakthrough Genomics
Classification: Likely benign. Review status: criteria provided, single submitter. Criteria: ACMG Guidelines, 2015. Collection method: not provided. Allele origin: germline. Inheritance: Autosomal recessive inheritance. Affected: yes.